The following is an entry in ClinVar:

NM_001378457.1(DMXL2):c.7112G>A (p.Arg2371Gln)

Gene: DMXL2 (Dmx like 2; minus strand). Cytogenetic location: 15q21.2.
Variant type: single nucleotide variant.
Coding change: c.7112G>A on transcript NM_001378457.1 (MANE Select); coding-DNA position 7112, G replaced by A.
Protein change: p.Arg2371Gln; replaces arginine 2371 with glutamine.
Molecular consequence: missense variant. On other transcripts: non-coding transcript variant (2).
Genome position (GRCh38, 1-based): chr15:51,474,445, C>T on the plus strand (G>A on the coding strand, the complement: DMXL2 is on the minus strand). VCF-style: chr15-51474445-C-T. GRCh37 (hg19) VCF-style: chr15-51766642-C-T.
Other names: c.7112G>A, p.Arg2371Gln (NM_001174116.3, NM_001378459.1, NM_001378461.1 and 1 more transcripts); c.5201G>A, p.Arg1734Gln (NM_001174117.3); c.7109G>A, p.Arg2370Gln (NM_001378458.1, NM_001378462.1, NM_015263.5); c.5090G>A, p.Arg1697Gln (NM_001378460.1); c.6869G>A, p.Arg2290Gln (NM_001378464.1); c.7112G>A (NM_001174116.1); short protein forms R2371Q, R2290Q, R1697Q, R1734Q, R2370Q.
Identifiers: ClinVar variation 1443515 (VCV001443515.7), dbSNP rs760199215, ClinGen allele CA7561455.

ClinVar aggregate classification (germline): Uncertain significance. Review status: criteria provided, multiple submitters, no conflicts (2 of 4 stars). 2 submissions from 2 submitters: Uncertain significance (2). Last evaluated 2024-10-30.

Conditions:
Inborn genetic diseases. Identifiers: MedGen C0950123, MeSH D030342.

Allele frequency attached by ClinVar (database versions not stated): gnomAD 0.00001; gnomAD exomes 0.00001 and 0.00003; ExAC 0.00002; TOPMed 0.00003.
gnomAD v4.1: 15 of 1,613,980 alleles (0.00093%); highest among the groups gnomAD compares: Admixed American, 0.0083%; no homozygotes.

Submissions (2):

Labcorp Genetics (formerly Invitae), Labcorp
Classification: Uncertain significance. Last evaluated: 2024-10-30. Review status: criteria provided, single submitter. Criteria: Invitae Variant Classification Sherloc (09022015). Collection method: clinical testing. Allele origin: germline.
Comment: This sequence change replaces arginine, which is basic and polar, with glutamine, which is neutral and polar, at codon 2371 of the DMXL2 protein (p.Arg2371Gln). This variant is present in population databases (rs760199215, gnomAD 0.01%). This variant has not been reported in the literature in individuals affected with DMXL2-related conditions. ClinVar contains an entry for this variant (Variation ID: 1443515). An algorithm developed to predict the effect of missense changes on protein structure and function (PolyPhen-2) suggests that this variant is likely to be disruptive. In summary, the available evidence is currently insufficient to determine the role of this variant in disease. Therefore, it has been classified as a Variant of Uncertain Significance.

Ambry Genetics
Classification: Uncertain significance for Inborn genetic diseases. Last evaluated: 2023-12-22. Review status: criteria provided, single submitter. Criteria: Ambry Variant Classification Scheme 2023. Collection method: clinical testing. Allele origin: germline.